The following is an entry in ClinVar:

NM_000038.6(APC):c.3028A>G (p.Ser1010Gly)

Gene: APC (APC regulator of Wnt signaling pathway; plus strand). Cytogenetic location: 5q22.2.
Variant type: single nucleotide variant.
Coding change: c.3028A>G on transcript NM_000038.6 (MANE Select); coding-DNA position 3028, A replaced by G.
Protein change: p.Ser1010Gly; replaces serine 1010 with glycine.
Molecular consequence: missense variant.
Genome position (GRCh38, 1-based): chr5:112,838,622, A>G. VCF-style: chr5-112838622-A-G. GRCh37 (hg19) VCF-style: chr5-112174319-A-G.
Other names: c.3028A>G, p.Ser1010Gly (NM_001127510.3, NM_001354895.2); c.2974A>G, p.Ser992Gly (NM_001127511.3); c.3082A>G, p.Ser1028Gly (NM_001354896.2); c.3058A>G, p.Ser1020Gly (NM_001354897.2); c.2953A>G, p.Ser985Gly (NM_001354898.2); c.2944A>G, p.Ser982Gly (NM_001354899.2); c.2905A>G, p.Ser969Gly (NM_001354900.2); c.2851A>G, p.Ser951Gly (NM_001354901.2); and 5 more; short protein forms S1010G, S992G, S1020G, S1028G, S951G, S985G, S850G, S884G.
Identifiers: ClinVar variation 572247 (VCV000572247.17), dbSNP rs1253051713, ClinGen allele CA16027955.

ClinVar aggregate classification (germline): Uncertain significance. Review status: criteria provided, multiple submitters, no conflicts (2 of 4 stars). 4 submissions from 4 submitters: Uncertain significance (4). Last evaluated 2025-02-19.

Conditions:
Familial adenomatous polyposis 1 (FAP1). Also called: POLYPOSIS, ADENOMATOUS INTESTINAL; FAMILIAL ADENOMATOUS POLYPOSIS 1, ATTENUATED. Identifiers: MedGen C2713442, MONDO:0021056, OMIM 175100. Disease mechanism: loss of function.
Hereditary cancer-predisposing syndrome. Also called: Neoplastic Syndromes, Hereditary; Hereditary Cancer Syndrome; Tumor predisposition; Hereditary neoplastic syndrome. Identifiers: Orphanet 140162, MedGen C0027672, MeSH D009386, MONDO:0015356.

Allele frequency attached by ClinVar (database versions not stated): gnomAD exomes below 0.00001.
gnomAD v4.1: 1 of 1,614,154 alleles (0.000062%); highest among the groups gnomAD compares: Non-Finnish European, 0.000085%; no homozygotes.

Submissions (4):

Labcorp Genetics (formerly Invitae), Labcorp
Classification: Uncertain significance for Familial adenomatous polyposis 1. Last evaluated: 2025-02-19. Review status: criteria provided, single submitter. Criteria: Invitae Variant Classification Sherloc (09022015). Collection method: clinical testing. Allele origin: germline.
Comment: This sequence change replaces serine, which is neutral and polar, with glycine, which is neutral and non-polar, at codon 1010 of the APC protein (p.Ser1010Gly). This variant is present in population databases (no rsID available, gnomAD 0.0009%). This variant has not been reported in the literature in individuals affected with APC-related conditions. ClinVar contains an entry for this variant (Variation ID: 572247). Invitae Evidence Modeling of protein sequence and biophysical properties (such as structural, functional, and spatial information, amino acid conservation, physicochemical variation, residue mobility, and thermodynamic stability) indicates that this missense variant is not expected to disrupt APC protein function with a negative predictive value of 95%. In summary, the available evidence is currently insufficient to determine the role of this variant in disease. Therefore, it has been classified as a Variant of Uncertain Significance.

Ambry Genetics
Classification: Uncertain significance for Hereditary cancer-predisposing syndrome. Last evaluated: 2023-05-18. Review status: criteria provided, single submitter. Criteria: Ambry Variant Classification Scheme 2023. Collection method: clinical testing. Allele origin: germline.
Comment: The p.S1010G variant (also known as c.3028A>G), located in coding exon 15 of the APC gene, results from an A to G substitution at nucleotide position 3028. The serine at codon 1010 is replaced by glycine, an amino acid with similar properties. This amino acid position is conserved. In addition, in silico predictors for this gene do not accurately predict pathogenicity. Since supporting evidence is limited at this time, the clinical significance of this alteration remains unclear.

Baylor Genetics
Classification: Uncertain significance for Familial adenomatous polyposis 1. Last evaluated: 2023-05-05. Review status: criteria provided, single submitter. Criteria: ACMG Guidelines, 2015. Collection method: clinical testing. Allele origin: unknown.

Color Diagnostics, LLC DBA Color Health
Classification: Uncertain significance for Hereditary cancer-predisposing syndrome. Last evaluated: 2019-04-23. Review status: criteria provided, single submitter. Criteria: ACMG Guidelines, 2015. Collection method: clinical testing. Allele origin: germline.